The following is an entry in ClinVar:

NM_002485.5(NBN):c.848C>T (p.Pro283Leu)

Gene: NBN (nibrin; minus strand). Cytogenetic location: 8q21.3.
Variant type: single nucleotide variant.
Coding change: c.848C>T on transcript NM_002485.5 (MANE Select); coding-DNA position 848, C replaced by T.
Protein change: p.Pro283Leu; replaces proline 283 with leucine.
Molecular consequence: missense variant.
Genome position (GRCh38, 1-based): chr8:89,970,412, G>A on the plus strand (C>T on the coding strand, the complement: NBN is on the minus strand). VCF-style: chr8-89970412-G-A. GRCh37 (hg19) VCF-style: chr8-90982640-G-A.
Other names: c.602C>T, p.Pro201Leu (NM_001024688.3); short protein forms P201L, P283L.
Identifiers: ClinVar variation 1763567 (VCV001763567.2), dbSNP rs1554563853, ClinGen allele CA371658422.

ClinVar aggregate classification (germline): Uncertain significance (1 of 4 stars; one submission).

Conditions:
Hereditary cancer-predisposing syndrome. Also called: Neoplastic Syndromes, Hereditary; Tumor predisposition; Hereditary Cancer Syndrome; Hereditary neoplastic syndrome. Identifiers: Orphanet 140162, MedGen C0027672, MeSH D009386, MONDO:0015356.

Allele frequency attached by ClinVar (database versions not stated): gnomAD exomes below 0.00001.
gnomAD v4.1: 2 of 1,613,910 alleles (0.00012%); highest among the groups gnomAD compares: Non-Finnish European, 0.00017%; no homozygotes.

Submission:

Ambry Genetics
Classification: Uncertain significance for Hereditary cancer-predisposing syndrome. Last evaluated: 2022-08-12. Review status: criteria provided, single submitter. Criteria: Ambry Variant Classification Scheme 2023. Collection method: clinical testing. Allele origin: germline.
Comment: The p.P283L variant (also known as c.848C>T), located in coding exon 7 of the NBN gene, results from a C to T substitution at nucleotide position 848. The proline at codon 283 is replaced by leucine, an amino acid with similar properties. This amino acid position is not well conserved in available vertebrate species. In addition, this alteration is predicted to be tolerated by in silico analysis. Since supporting evidence is limited at this time, the clinical significance of this alteration remains unclear.